The following is an entry in ClinVar:

ClinVar aggregate classification (germline): Conflicting classifications of pathogenicity. Review status: criteria provided, conflicting classifications (1 of 4 stars). 5 submissions from 5 submitters: Uncertain significance (4); Likely benign (1). Last evaluated 2026-02-03.

Conditions:
Familial thoracic aortic aneurysm and aortic dissection (TAAD). Also called: Thoracic aortic aneurysms and dissections. Identifiers: Orphanet 91387, MedGen C4707243, MONDO:0019625.
Ehlers-Danlos syndrome, classic type, 1 (EDSCL1). Also called: Ehlers-Danlos syndrome, type 1; Ehlers-Danlos Syndrome, Classic Type, COL5A1-Related; EDS I; EHLERS-DANLOS SYNDROME, GRAVIS TYPE; EHLERS-DANLOS SYNDROME, SEVERE CLASSIC TYPE. Identifiers: MedGen C0268335, MONDO:0019567, OMIM 130000.

Allele frequency attached by ClinVar (database versions not stated): gnomAD 0.00001 and 0.00002; gnomAD exomes 0.00001 and 0.00003; ExAC 0.00002; TOPMed 0.00003.
gnomAD v4.1: 40 of 1,613,300 alleles (0.0025%); highest among the groups gnomAD compares: Non-Finnish European, 0.0031%; no homozygotes.

Submissions (5):

Women's Health and Genetics/Laboratory Corporation of America, LabCorp
Classification: Uncertain significance. Last evaluated: 2026-02-03. Review status: criteria provided, single submitter. Criteria: LabCorp Variant Classification Summary - May 2015. Collection method: clinical testing. Allele origin: germline.
Comment: Variant summary: COL5A1 c.5362G>A (p.Gly1788Ser) results in a non-conservative amino acid change in the encoded protein sequence. Algorithms developed to predict the effect of missense changes on protein structure and function are either unavailable or do not agree on the potential impact of this missense change. The variant allele was found at a frequency of 8e-06 in 249630 control chromosomes. The available data on variant occurrences in the general population are insufficient to allow any conclusion about variant significance. To our knowledge, no occurrence of c.5362G>A in individuals affected with COL5A1-related conditions and no experimental evidence demonstrating its impact on protein function have been reported. ClinVar contains an entry for this variant (Variation ID: 1163911). Based on the evidence outlined above, the variant was classified as uncertain significance.

Ambry Genetics
Classification: Uncertain significance for Familial thoracic aortic aneurysm and aortic dissection. Last evaluated: 2025-12-11. Review status: criteria provided, single submitter. Criteria: Ambry Variant Classification Scheme 2023. Collection method: clinical testing. Allele origin: germline.
Comment: The p.G1788S variant (also known as c.5362G>A), located in coding exon 65 of the COL5A1 gene, results from a G to A substitution at nucleotide position 5362. The glycine at codon 1788 is replaced by serine, an amino acid with similar properties. This amino acid position is conserved. In addition, this alteration is predicted to be deleterious by in silico analysis. Based on the available evidence, the clinical significance of this variant remains unclear.

Labcorp Genetics (formerly Invitae), Labcorp
Classification: Likely benign for Ehlers-Danlos syndrome, classic type, 1. Last evaluated: 2024-05-01. Review status: criteria provided, single submitter. Criteria: Invitae Variant Classification Sherloc (09022015). Collection method: clinical testing. Allele origin: germline.

Blueprint Genetics
Classification: Uncertain significance. Last evaluated: 2022-11-21. Review status: criteria provided, single submitter. Criteria: ACMG Guidelines, 2015. Collection method: clinical testing. Allele origin: germline.

Mayo Clinic Laboratories, Mayo Clinic
Classification: Uncertain significance. Last evaluated: 2020-06-04. Review status: criteria provided, single submitter. Criteria: ACMG Guidelines, 2015. Collection method: clinical testing. Allele origin: germline. Observed: 1 variant allele.

NM_000093.5(COL5A1):c.5362G>A (p.Gly1788Ser)

Genes: COL5A1 (collagen type V alpha 1 chain; plus strand), LOC101448202 (uncharacterized LOC101448202; minus strand). Cytogenetic location: 9q34.3.
Variant type: single nucleotide variant.
Coding change: c.5362G>A on transcript NM_000093.5 (MANE Select); coding-DNA position 5362, G replaced by A.
Protein change: p.Gly1788Ser; replaces glycine 1788 with serine.
Molecular consequence: missense variant.
Genome position (GRCh38, 1-based): chr9:134,835,196, G>A. VCF-style: chr9-134835196-G-A. GRCh37 (hg19) VCF-style: chr9-137727042-G-A.
Other names: c.5362G>A, p.Gly1788Ser (NM_001278074.1); c.5362G>A (NM_000093.3); short protein forms G1788S.
Identifiers: ClinVar variation 1163911 (VCV001163911.12), dbSNP rs759291514, ClinGen allele CA5320699.
Genomic context (GRCh38, chr9:134,835,196, plus strand): 5'-GGCTCCAACGACGAGGAGATGTCCTATGACAACAACCCCTACATCCGCGCCCTGGTGGAC[G>A]GCTGTGCTGTGAGTATCCCGCGCCGCGCCCAGCACCCCTGCTCACGCCTCCGTGGGGCTC-3'
Protein context (NP_000084.3, residues 1778-1798): NNPYIRALVD[Gly1788Ser]CATKKGYQKT